The following is an entry in ClinVar:

ClinVar aggregate classification (germline): Uncertain significance (1 of 4 stars; one submission).

Submission:

GeneDx
Classification: Uncertain significance. Last evaluated: 2024-10-28. Review status: criteria provided, single submitter. Criteria: GeneDx Variant Classification Process June 2021. Collection method: clinical testing. Allele origin: germline. Affected: yes.
Comment: Not observed at significant frequency in large population cohorts (gnomAD); In silico analysis supports that this missense variant has a deleterious effect on protein structure/function; Has not been previously published as pathogenic or benign to our knowledge

NM_000260.4(MYO7A):c.5897T>C (p.Val1966Ala)

Gene: MYO7A (myosin VIIA; plus strand). Cytogenetic location: 11q13.5.
Variant type: single nucleotide variant.
Coding change: c.5897T>C on transcript NM_000260.4 (MANE Select); coding-DNA position 5897, T replaced by C.
Protein change: p.Val1966Ala; replaces valine 1966 with alanine.
Molecular consequence: missense variant.
Genome position (GRCh38, 1-based): chr11:77,208,470, T>C. VCF-style: chr11-77208470-T-C. GRCh37 (hg19) VCF-style: chr11-76919515-T-C.
Other names: c.5783T>C, p.Val1928Ala (NM_001127180.2); c.5750T>C, p.Val1917Ala (NM_001369365.1); short protein forms V1917A, V1928A, V1966A.
Identifiers: ClinVar variation 3893580 (VCV003893580.1).